The following is an entry in ClinVar:

ClinVar aggregate classification (germline): Uncertain significance (1 of 4 stars; one submission).

Conditions:
Hereditary sensory and autonomic neuropathy type 7. Also called: Neuropathy, hereditary sensory and autonomic, type VII; HSAN VII. Identifiers: Orphanet 391397, MedGen C3809882, MONDO:0014244, OMIM 615548.
Familial episodic pain syndrome with predominantly lower limb involvement. Also called: Episodic pain syndrome, familial, 3. Identifiers: Orphanet 391384, Orphanet 391392, MedGen C3809899, MONDO:0014247, OMIM 615552.

gnomAD v4.1: 1 of 1,614,198 alleles (0.000062%); highest among the groups gnomAD compares: Non-Finnish European, 0.000085%; no homozygotes.

Submission:

Labcorp Genetics (formerly Invitae), Labcorp
Classification: Uncertain significance for Familial episodic pain syndrome with predominantly lower limb involvement; Hereditary sensory and autonomic neuropathy type 7. Last evaluated: 2020-06-10. Review status: criteria provided, single submitter. Criteria: Invitae Variant Classification Sherloc (09022015). Collection method: clinical testing. Allele origin: germline.
Comment: This variant has not been reported in the literature in individuals with SCN11A-related conditions. This variant is not present in population databases (ExAC no frequency). Algorithms developed to predict the effect of missense changes on protein structure and function (SIFT, PolyPhen-2, Align-GVGD) all suggest that this variant is likely to be tolerated, but these predictions have not been confirmed by published functional studies and their clinical significance is uncertain. This sequence change replaces isoleucine with leucine at codon 1579 of the SCN11A protein (p.Ile1579Leu). The isoleucine residue is moderately conserved and there is a small physicochemical difference between isoleucine and leucine. In summary, the available evidence is currently insufficient to determine the role of this variant in disease. Therefore, it has been classified as a Variant of Uncertain Significance.

NM_001349253.2(SCN11A):c.4735A>C (p.Ile1579Leu)

Gene: SCN11A (sodium voltage-gated channel alpha subunit 11; minus strand). Cytogenetic location: 3p22.2.
Variant type: single nucleotide variant.
Coding change: c.4735A>C on transcript NM_001349253.2 (MANE Select); coding-DNA position 4735, A replaced by C.
Protein change: p.Ile1579Leu; replaces isoleucine 1579 with leucine.
Molecular consequence: missense variant.
Genome position (GRCh38, 1-based): chr3:38,847,335, T>G on the plus strand (A>C on the coding strand, the complement: SCN11A is on the minus strand). VCF-style: chr3-38847335-T-G. GRCh37 (hg19) VCF-style: chr3-38888826-T-G.
Other names: c.4735A>C, p.Ile1579Leu (NM_014139.3); short protein forms I1579L.
Identifiers: ClinVar variation 1056551 (VCV001056551.5), dbSNP rs1206327161, ClinGen allele CA352162655.
Genomic context (GRCh38, chr3:38,847,335, plus strand): 5'-ACATGTTGACAACAATGAGAAAGGAGATGATAATGTAACTGACAAAGTAGGATGTGGCTA[T>G]GCCAGGGAGGTGGCAGTTTTCTGAGGAAGAGTTACATGATTCTTTTGATCGCAGCATGGG-3'
Protein context (NP_001336182.1, residues 1569-1589): SSSENCHLPG[Ile1579Leu]ATSYFVSYII